The following is an entry in ClinVar:

NM_000465.4(BARD1):c.53A>G (p.Asn18Ser)

Gene: BARD1 (BRCA1 associated RING domain 1; minus strand). Cytogenetic location: 2q35.
Variant type: single nucleotide variant.
Coding change: c.53A>G on transcript NM_000465.4 (MANE Select); coding-DNA position 53, A replaced by G.
Protein change: p.Asn18Ser; replaces asparagine 18 with serine.
Molecular consequence: missense variant. On other transcripts: non-coding transcript variant (3).
Genome position (GRCh38, 1-based): chr2:214,809,517, T>C on the plus strand (A>G on the coding strand, the complement: BARD1 is on the minus strand). VCF-style: chr2-214809517-T-C. GRCh37 (hg19) VCF-style: chr2-215674241-T-C.
Other names: c.53A>G, p.Asn18Ser (NM_001282543.2, NM_001282545.2, NM_001282548.2 and 1 more transcripts); short protein forms N18S.
Identifiers: ClinVar variation 419214 (VCV000419214.6), dbSNP rs1064793727, ClinGen allele CA16617462.

ClinVar aggregate classification (germline): Uncertain significance. Review status: criteria provided, multiple submitters, no conflicts (2 of 4 stars). 2 submissions from 2 submitters: Uncertain significance (2). Last evaluated 2022-01-20.

Conditions:
Familial cancer of breast. Also called: Hereditary breast cancer; BREAST CANCER, FAMILIAL; hereditary breast carcinoma. Identifiers: Orphanet 227535, MedGen C0346153, MONDO:0016419, OMIM 114480. Disease mechanism: loss of function.

Submissions (2):

Labcorp Genetics (formerly Invitae), Labcorp
Classification: Uncertain significance for Familial cancer of breast. Last evaluated: 2022-01-20. Review status: criteria provided, single submitter. Criteria: Invitae Variant Classification Sherloc (09022015). Collection method: clinical testing. Allele origin: germline.
Comment: This sequence change replaces asparagine, which is neutral and polar, with serine, which is neutral and polar, at codon 18 of the BARD1 protein (p.Asn18Ser). This variant is not present in population databases (gnomAD no frequency). In summary, the available evidence is currently insufficient to determine the role of this variant in disease. Therefore, it has been classified as a Variant of Uncertain Significance. Algorithms developed to predict the effect of missense changes on protein structure and function are either unavailable or do not agree on the potential impact of this missense change (SIFT: "Deleterious"; PolyPhen-2: "Probably Damaging"; Align-GVGD: "Class C0"). ClinVar contains an entry for this variant (Variation ID: 419214). This variant has not been reported in the literature in individuals affected with BARD1-related conditions.

GeneDx
Classification: Uncertain significance. Last evaluated: 2015-06-15. Review status: criteria provided, single submitter. Criteria: GeneDx Variant Classification (06012015). Collection method: clinical testing. Allele origin: germline. Affected: yes.
Comment: This variant is denoted BARD1 c.53A>G at the cDNA level, p.Asn18Ser (N18S) at the protein level, and results in the change of an Asparagine to a Serine (AAC>AGC). This variant has not, to our knowledge, been published in the literature as pathogenic or benign. BARD1 Asn18Ser was not observed in approximately 6,500 individuals of European and African American ancestry in the NHLBI Exome Sequencing Project, indicating it is not a common benign variant in these populations. Since Asparagine and Serine share similar properties, this is considered a conservative amino acid substitution. BARD1 Asn18Ser occurs at a position that is conserved in mammals and is not located in a known functional domain (Uniprot). In silico analyses are inconsistent regarding the effect this variant may have on protein structure and function. Based on currently available information, it is unclear whether BARD1 Asn18Ser is pathogenic or benign. We consider it to be a variant of uncertain significance.